The following is an entry in ClinVar:

ClinVar aggregate classification (germline): Uncertain significance. Review status: criteria provided, multiple submitters, no conflicts (2 of 4 stars). 2 submissions from 2 submitters: Uncertain significance (2). Last evaluated 2025-04-13.

Conditions:
Pulmonary fibrosis and/or bone marrow failure, Telomere-related, 3. Also called: PULMONARY FIBROSIS AND/OR BONE MARROW FAILURE SYNDROME, TELOMERE-RELATED, 3. Identifiers: Orphanet 2032, MedGen C4225346, MONDO:0014613, OMIM 616373.
Dyskeratosis congenita, autosomal recessive 5 (DKCB5). Identifiers: MedGen C3554656, MONDO:0014076, OMIM 615190.
Inborn genetic diseases. Identifiers: MedGen C0950123, MeSH D030342.

gnomAD v4.1: 2 of 1,612,604 alleles (0.00012%); highest among the groups gnomAD compares: African/African-American, 0.0013%; no homozygotes.

Submissions (2):

Ambry Genetics
Classification: Uncertain significance for Inborn genetic diseases. Last evaluated: 2025-04-13. Review status: criteria provided, single submitter. Criteria: Ambry Variant Classification Scheme 2023. Collection method: clinical testing. Allele origin: germline.
Comment: The p.L1102V variant (also known as c.3304C>G), located in coding exon 31 of the RTEL1 gene, results from a C to G substitution at nucleotide position 3304. The leucine at codon 1102 is replaced by valine, an amino acid with highly similar properties. This amino acid position is conserved. In addition, the in silico prediction for this alteration is inconclusive. Based on the available evidence, the clinical significance of this variant remains unclear.

Labcorp Genetics (formerly Invitae), Labcorp
Classification: Uncertain significance for Dyskeratosis congenita, autosomal recessive 5; Pulmonary fibrosis and/or bone marrow failure, Telomere-related, 3. Last evaluated: 2024-02-24. Review status: criteria provided, single submitter. Criteria: Invitae Variant Classification Sherloc (09022015). Collection method: clinical testing. Allele origin: germline.
Comment: This sequence change replaces leucine, which is neutral and non-polar, with valine, which is neutral and non-polar, at codon 1102 of the RTEL1 protein (p.Leu1102Val). This variant is not present in population databases (gnomAD no frequency). This variant has not been reported in the literature in individuals affected with RTEL1-related conditions. ClinVar contains an entry for this variant (Variation ID: 1990322). An algorithm developed to predict the effect of missense changes on protein structure and function (PolyPhen-2) suggests that this variant is likely to be disruptive. In summary, the available evidence is currently insufficient to determine the role of this variant in disease. Therefore, it has been classified as a Variant of Uncertain Significance.

NM_001283009.2(RTEL1):c.3304C>G (p.Leu1102Val)

Genes: RTEL1 (regulator of telomere elongation helicase 1; plus strand), RTEL1-TNFRSF6B (RTEL1-TNFRSF6B readthrough (NMD candidate); plus strand). Cytogenetic location: 20q13.33.
Variant type: single nucleotide variant.
Coding change: c.3304C>G on transcript NM_001283009.2 (MANE Select); coding-DNA position 3304, C replaced by G.
Protein change: p.Leu1102Val; replaces leucine 1102 with valine.
Molecular consequence: missense variant. On other transcripts: non-coding transcript variant (1).
Genome position (GRCh38, 1-based): chr20:63,694,935, C>G. VCF-style: chr20-63694935-C-G. GRCh37 (hg19) VCF-style: chr20-62326288-C-G.
Other names: c.2635C>G, p.Leu879Val (NM_001283010.1); c.3304C>G, p.Leu1102Val (NM_016434.4); c.3376C>G, p.Leu1126Val (NM_032957.5); short protein forms L1102V, L879V, L1126V.
Identifiers: ClinVar variation 1990322 (VCV001990322.4), dbSNP rs1408163084, ClinGen allele CA409685151.